The following is an entry in ClinVar:

ClinVar aggregate classification (germline): Uncertain significance (1 of 4 stars; one submission).

Submission:

GeneDx
Classification: Uncertain significance. Last evaluated: 2020-06-16. Review status: criteria provided, single submitter. Criteria: GeneDx Variant Classification Process June 2021. Collection method: clinical testing. Allele origin: germline. Affected: yes.
Comment: Not observed in large population cohorts (Lek et al., 2016); In silico analysis supports that this missense variant does not alter protein structure/function; Has not been previously published as pathogenic or benign to our knowledge

NM_006267.5(RANBP2):c.4490C>T (p.Thr1497Ile)

Gene: RANBP2 (RAN binding protein 2; plus strand). Cytogenetic location: 2q13.
Variant type: single nucleotide variant.
Coding change: c.4490C>T on transcript NM_006267.5 (MANE Select); coding-DNA position 4490, C replaced by T.
Protein change: p.Thr1497Ile; replaces threonine 1497 with isoleucine.
Molecular consequence: missense variant.
Genome position (GRCh38, 1-based): chr2:108,765,029, C>T. VCF-style: chr2-108765029-C-T. GRCh37 (hg19) VCF-style: chr2-109381485-C-T.
Other names: short protein forms T1497I.
Identifiers: ClinVar variation 1312686 (VCV001312686.2), dbSNP rs2149275939, ClinGen allele CA348067424.